The following is an entry in ClinVar:

ClinVar aggregate classification (germline): Conflicting classifications of pathogenicity. Review status: criteria provided, conflicting classifications (1 of 4 stars). 4 submissions from 4 submitters: Uncertain significance (1); Likely benign (3). Last evaluated 2026-03-01.

Conditions:
Eichsfeld type congenital muscular dystrophy (CMYO3). Also called: MYOPATHY, SEPN1-RELATED; SELENON-related myopathy; Congenital myopathy 3 with rigid spine; Rigid spine muscular dystrophy 1. Identifiers: MedGen C0410180, MONDO:0100100, OMIM 602771.

Allele frequency attached by ClinVar (database versions not stated): gnomAD 0.00013 and 0.00014; TOPMed 0.00013; 1000 Genomes Project 30x 0.00016; gnomAD exomes 0.00017 and 0.00022.
gnomAD v4.1: 206 of 998,312 alleles (0.021%); highest among the groups gnomAD compares: Non-Finnish European, 0.024%; no homozygotes.

Submissions (4):

CeGaT Center for Human Genetics Tuebingen
Classification: Likely benign. Last evaluated: 2026-03-01. Review status: criteria provided, single submitter. Criteria: CeGaT Center For Human Genetics Tuebingen Variant Classification Criteria Version 2. Collection method: clinical testing. Allele origin: germline. Affected: yes. Observed: 1 variant allele.
Comment: SELENON: BP4, BP7

Labcorp Genetics (formerly Invitae), Labcorp
Classification: Likely benign for Eichsfeld type congenital muscular dystrophy. Last evaluated: 2026-01-27. Review status: criteria provided, single submitter. Criteria: Invitae Variant Classification Sherloc (09022015). Collection method: clinical testing. Allele origin: germline.

GeneDx
Classification: Uncertain significance. Last evaluated: 2020-07-14. Review status: criteria provided, single submitter. Criteria: GeneDx Variant Classification Process June 2021. Collection method: clinical testing. Allele origin: germline. Affected: yes.
Comment: In silico analysis supports that this variant does not alter splicing; Has not been previously published as pathogenic or benign to our knowledge

PreventionGenetics, part of Exact Sciences
Classification: Likely benign. Review status: criteria provided, single submitter. Criteria: ACMG Guidelines, 2015. Collection method: clinical testing. Allele origin: germline.

NM_206926.2(SELENON):c.81C>T (p.Arg27=)

Gene: SELENON (selenoprotein N; plus strand). Cytogenetic location: 1p36.11.
Variant type: single nucleotide variant.
Coding change: c.81C>T on transcript NM_206926.2 (MANE Select); coding-DNA position 81, C replaced by T.
Protein change: p.Arg27=; no amino-acid change (arginine 27 retained).
Molecular consequence: synonymous variant.
Genome position (GRCh38, 1-based): chr1:25,800,311, C>T. VCF-style: chr1-25800311-C-T. GRCh37 (hg19) VCF-style: chr1-26126802-C-T.
Other names: c.81C>T, p.Arg27= (NM_020451.3).
Identifiers: ClinVar variation 261288 (VCV000261288.25), dbSNP rs886038660, ClinGen allele CA10586734.